The following is an entry in ClinVar:

ClinVar aggregate classification (germline): Uncertain significance (1 of 4 stars; one submission).

Conditions:
Alpha-methylacyl-CoA racemase deficiency (AMACRD). Also called: AMACR deficiency. Identifiers: Orphanet 79095, MedGen C3280428, MONDO:0013681, OMIM 614307. Disease mechanism: loss of function.

Allele frequency attached by ClinVar (database versions not stated): gnomAD exomes below 0.00001; ExAC 0.00001; gnomAD 0.00001.
gnomAD v4.1: 6 of 1,614,102 alleles (0.00037%); highest among the groups gnomAD compares: Non-Finnish European, 0.00042%; no homozygotes.

Submission:

Labcorp Genetics (formerly Invitae), Labcorp
Classification: Uncertain significance for Alpha-methylacyl-CoA racemase deficiency. Last evaluated: 2023-03-08. Review status: criteria provided, single submitter. Criteria: Invitae Variant Classification Sherloc (09022015). Collection method: clinical testing. Allele origin: germline.
Comment: In summary, the available evidence is currently insufficient to determine the role of this variant in disease. Therefore, it has been classified as a Variant of Uncertain Significance. Advanced modeling of protein sequence and biophysical properties (such as structural, functional, and spatial information, amino acid conservation, physicochemical variation, residue mobility, and thermodynamic stability) has been performed at Invitae for this missense variant, however the output from this modeling did not meet the statistical confidence thresholds required to predict the impact of this variant on AMACR protein function. ClinVar contains an entry for this variant (Variation ID: 2146934). This variant has not been reported in the literature in individuals affected with AMACR-related conditions. This variant is present in population databases (rs759053723, gnomAD 0.002%). This sequence change replaces phenylalanine, which is neutral and non-polar, with serine, which is neutral and polar, at codon 169 of the AMACR protein (p.Phe169Ser).

NM_014324.6(AMACR):c.506T>C (p.Phe169Ser)

Genes: AMACR (alpha-methylacyl-CoA racemase; minus strand), C1QTNF3-AMACR (C1QTNF3-AMACR readthrough (NMD candidate); minus strand). Cytogenetic location: 5p13.2.
Variant type: single nucleotide variant.
Coding change: c.506T>C on transcript NM_014324.6 (MANE Select); coding-DNA position 506, T replaced by C.
Protein change: p.Phe169Ser; replaces phenylalanine 169 with serine.
Molecular consequence: missense variant. On other transcripts: intron variant (1).
Genome position (GRCh38, 1-based): chr5:34,004,620, A>G on the plus strand (T>C on the coding strand, the complement: AMACR is on the minus strand). VCF-style: chr5-34004620-A-G. GRCh37 (hg19) VCF-style: chr5-34004725-A-G.
Other names: c.506T>C, p.Phe169Ser (NM_001167595.2); c.391+1136T>C (NM_203382.3); short protein forms F169S.
Identifiers: ClinVar variation 2146934 (VCV002146934.2), dbSNP rs759053723, ClinGen allele CA3226194.